The following is an entry in ClinVar:

NM_014795.4(ZEB2):c.2215A>G (p.Ile739Val)

Gene: ZEB2 (zinc finger E-box binding homeobox 2; minus strand). Cytogenetic location: 2q22.3.
Variant type: single nucleotide variant.
Coding change: c.2215A>G on transcript NM_014795.4 (MANE Select); coding-DNA position 2215, A replaced by G.
Protein change: p.Ile739Val; replaces isoleucine 739 with valine.
Molecular consequence: missense variant.
Genome position (GRCh38, 1-based): chr2:144,398,972, T>C on the plus strand (A>G on the coding strand, the complement: ZEB2 is on the minus strand). VCF-style: chr2-144398972-T-C. GRCh37 (hg19) VCF-style: chr2-145156539-T-C.
Other names: p.I739V:ATA>GTA; c.2143A>G, p.Ile715Val (NM_001171653.2); short protein forms I739V, I715V.
Identifiers: ClinVar variation 181715 (VCV000181715.24), dbSNP rs730881178, ClinGen allele CA297566.

ClinVar aggregate classification (germline): Benign/Likely benign. Review status: criteria provided, multiple submitters, no conflicts (2 of 4 stars). 9 submissions from 9 submitters: Benign (3); Likely benign (5). 1 of the submissions does not count toward it. Last evaluated 2026-09-01.

Conditions:
ZEB2-related disorder. Also called: ZEB2-related condition.
Inborn genetic diseases. Identifiers: MedGen C0950123, MeSH D030342.
Mowat-Wilson syndrome (MOWS). Also called: Classic Mowat-Wilson Syndrome. Identifiers: Orphanet 2152, MedGen C1856113, MONDO:0009341, OMIM 235730.

Allele frequency attached by ClinVar (database versions not stated): gnomAD 0.00001 and 0.00002; gnomAD exomes 0.00004 and 0.00020; TOPMed 0.00009; ExAC 0.00012.
gnomAD v4.1: 61 of 1,614,090 alleles (0.0038%); highest among the groups gnomAD compares: Admixed American, 0.093%; no homozygotes.

Submissions (9):

CeGaT Center for Human Genetics Tuebingen
Classification: Likely benign. Last evaluated: 2026-09-01. Review status: criteria provided, single submitter. Criteria: CeGaT Center For Human Genetics Tuebingen Variant Classification Criteria Version 2. Collection method: clinical testing. Allele origin: germline. Affected: yes. Observed: 1 variant allele.
Comment: ZEB2: BS1

Labcorp Genetics (formerly Invitae), Labcorp
Classification: Likely benign for Mowat-Wilson syndrome. Last evaluated: 2026-01-13. Review status: criteria provided, single submitter. Criteria: Invitae Variant Classification Sherloc (09022015). Collection method: clinical testing. Allele origin: germline.

Athena Diagnostics
Classification: Benign. Last evaluated: 2024-09-25. Review status: criteria provided, single submitter. Criteria: Athena Diagnostics Criteria. Collection method: clinical testing. Allele origin: unknown.

Ambry Genetics
Classification: Likely benign for Inborn genetic diseases. Last evaluated: 2023-02-06. Review status: criteria provided, single submitter. Criteria: Ambry Variant Classification Scheme 2023. Collection method: clinical testing. Allele origin: germline.

Blueprint Genetics
Classification: Likely benign. Last evaluated: 2022-01-28. Review status: criteria provided, single submitter. Criteria: ACMG Guidelines, 2015. Collection method: clinical testing. Allele origin: germline.

Genome-Nilou Lab
Classification: Benign for Mowat-Wilson syndrome. Last evaluated: 2021-11-07. Review status: criteria provided, single submitter. Criteria: ACMG Guidelines, 2015. Collection method: clinical testing. Allele origin: germline. Affected: no.

GeneDx
Classification: Benign. Last evaluated: 2019-02-01. Review status: criteria provided, single submitter. Criteria: GeneDx Variant Classification Process June 2021. Collection method: clinical testing. Allele origin: germline. Affected: yes.

Center for Pediatric Genomic Medicine, Children's Mercy Hospital and Clinics
Classification: Likely benign. Last evaluated: 2017-06-19. Review status: criteria provided, single submitter. Criteria: ACMG Guidelines, 2015. Collection method: clinical testing. Allele origin: germline.

PreventionGenetics, part of Exact Sciences
Classification: Likely benign for ZEB2-related condition. Last evaluated: 2024-04-10. Review status: no assertion criteria provided. Collection method: clinical testing. Allele origin: germline. Not counted in ClinVar's aggregate classification.
Comment: This variant is classified as likely benign based on ACMG/AMP sequence variant interpretation guidelines (Richards et al. 2015 PMID: 25741868, with internal and published modifications).